The following is an entry in ClinVar:

ClinVar aggregate classification (germline): Benign. Review status: criteria provided, multiple submitters, no conflicts (2 of 4 stars). 2 submissions from 2 submitters: Benign (2). Last evaluated 2023-11-12.

Allele frequency attached by ClinVar (database versions not stated): gnomAD exomes 0.09356; gnomAD 0.18883 and 0.19598; 1000 Genomes Project 0.20128; TOPMed 0.20821; 1000 Genomes Project 30x 0.21190.

Submissions (2):

Unidad de Genómica Garrahan, Hospital de Pediatría Garrahan
Classification: Benign. Last evaluated: 2023-11-12. Review status: criteria provided, single submitter. Criteria: ACMG Guidelines, 2015. Collection method: clinical testing. Allele origin: germline. Affected: no. Observed: 26 variant alleles.
Comment: This variant is classified as Benign based on local population frequency. This variant was detected in 27% of patients studied by a panel of primary immunodeficiencies. Number of patients: 26. Only high quality variants are reported.

GeneDx
Classification: Benign. Last evaluated: 2021-05-16. Review status: criteria provided, single submitter. Criteria: GeneDx Variant Classification Process June 2021. Collection method: clinical testing. Allele origin: germline. Affected: yes.

NM_001270508.2(TNFAIP3):c.295+86G>A

Gene: TNFAIP3 (TNF alpha induced protein 3; plus strand). Cytogenetic location: 6q23.3.
Variant type: single nucleotide variant.
Coding change: c.295+86G>A on transcript NM_001270508.2 (MANE Select); 86 bases into the intron after coding-DNA position 295, G replaced by A.
Molecular consequence: intron variant.
Genome position (GRCh38, 1-based): chr6:137,871,608, G>A. VCF-style: chr6-137871608-G-A. GRCh37 (hg19) VCF-style: chr6-138192745-G-A.
Other names: c.295+86G>A (NM_001270507.2, NM_006290.4).
Identifiers: ClinVar variation 1221925 (VCV001221925.5), dbSNP rs719149, ClinGen allele CA12448868.